The following is an entry in ClinVar:

ClinVar aggregate classification (germline): Pathogenic/Likely pathogenic. Review status: criteria provided, multiple submitters, no conflicts (2 of 4 stars). 2 submissions from 2 submitters: Pathogenic (1); Likely pathogenic (1). Last evaluated 2026-02-12.

Conditions:
Loeys-Dietz syndrome 4 (LDS4). Also called: TGFB2-Related Loeys-Dietz Syndrome; ANEURYSM, AORTIC AND CEREBRAL, WITH ARTERIAL TORTUOSITY AND SKELETAL MANIFESTATIONS. Identifiers: MedGen C3553762, MONDO:0013897, OMIM 614816.
Familial thoracic aortic aneurysm and aortic dissection (TAAD). Also called: Thoracic aortic aneurysms and dissections. Identifiers: Orphanet 91387, MedGen C4707243, MONDO:0019625.

Submissions (2):

Ambry Genetics
Classification: Likely pathogenic for Familial thoracic aortic aneurysm and aortic dissection. Last evaluated: 2026-02-12. Review status: criteria provided, single submitter. Criteria: Ambry Variant Classification Scheme 2023. Collection method: clinical testing. Allele origin: germline.
Comment: The c.1069_1072delGACA variant, located in coding exon 6 of the TGFB2 gene, results from a deletion of 4 nucleotides at nucleotide positions 1069 to 1072, causing a translational frameshift with a predicted alternate stop codon (p.D357Lfs*7). This variant occurs at the 3' terminus of the gene, is not expected to trigger nonsense-mediated mRNA decay, and impacts the last 14% of the protein. However, premature stop codons are typically deleterious in nature and the impacted region is critical for protein function (Ambry internal data). This variant was reported in individual(s) with features consistent with aortic dilation (Ambry internal data). This variant is considered to be rare based on population cohorts in the Genome Aggregation Database (gnomAD). Based on the majority of available evidence to date, this variant is likely to be pathogenic.

Labcorp Genetics (formerly Invitae), Labcorp
Classification: Pathogenic for Loeys-Dietz syndrome 4. Last evaluated: 2023-08-23. Review status: criteria provided, single submitter. Criteria: Invitae Variant Classification Sherloc (09022015). Collection method: clinical testing. Allele origin: germline.
Comment: This variant has not been reported in the literature in individuals affected with TGFB2-related conditions. This variant is not present in population databases (gnomAD no frequency). This sequence change creates a premature translational stop signal (p.Asp357Leufs*7) in the TGFB2 gene. While this is not anticipated to result in nonsense mediated decay, it is expected to disrupt the last 58 amino acid(s) of the TGFB2 protein. This variant disrupts a region of the TGFB2 protein in which other variant(s) (p.Ser361Lysfs*8) have been determined to be pathogenic (PMID: 24193348). This suggests that this is a clinically significant region of the protein, and that variants that disrupt it are likely to be disease-causing. For these reasons, this variant has been classified as Pathogenic.

Literature cited by the submitters: PubMed 24193348 (cited by Labcorp Genetics (formerly Invitae), Labcorp).

NM_003238.6(TGFB2):c.1069_1072del (p.Asp357fs)

Gene: TGFB2 (transforming growth factor beta 2; plus strand). Cytogenetic location: 1q41.
Variant type: Deletion.
Coding change: c.1069_1072del on transcript NM_003238.6 (MANE Select); coding-DNA positions 1069 to 1072, 4 bases deleted (GACA; older notation c.1069_1072delGACA).
Protein change: p.Asp357fs; shifts the reading frame from aspartic acid 357.
Molecular consequence: frameshift variant. On other transcripts: non-coding transcript variant (2).
Genome position (GRCh38, 1-based): chr1:218,437,479-218,437,482, GACA deleted; deleting any 4 consecutive bases within chr1:218,437,477-218,437,482 gives the same sequence; the c. name uses the placement nearest the transcript's 3' end. VCF-style (leftmost placement, unchanged base first): chr1-218437476-TCAGA-T. GRCh37 (hg19) VCF-style: chr1-218610818-TCAGA-T.
Other names: c.1069_1072delGACA (NM_003238.3); c.1153_1156del, p.Asp385fs (NM_001135599.4); short protein forms D357fs, D385fs.
Identifiers: ClinVar variation 2754528 (VCV002754528.4), dbSNP rs2464878008, ClinGen allele CA2697554957.